The following is an entry in ClinVar:

ClinVar aggregate classification (germline): Likely benign. Review status: criteria provided, multiple submitters, no conflicts (2 of 4 stars). 3 submissions from 3 submitters: Likely benign (3). Last evaluated 2026-02-01.

Allele frequency attached by ClinVar (database versions not stated): 1000 Genomes Project 30x 0.00016; 1000 Genomes Project 0.00020; gnomAD exomes 0.00020 and 0.00028; gnomAD 0.00024 and 0.00025; TOPMed 0.00028; ESP Exome Variant Server 0.00031; ExAC 0.00045.

Submissions (3):

CeGaT Center for Human Genetics Tuebingen
Classification: Likely benign. Last evaluated: 2026-02-01. Review status: criteria provided, single submitter. Criteria: CeGaT Center For Human Genetics Tuebingen Variant Classification Criteria Version 2. Collection method: clinical testing. Allele origin: germline. Affected: yes. Observed: 1 variant allele.
Comment: SHANK3: BP4, BP7

Blueprint Genetics
Classification: Likely benign. Last evaluated: 2024-06-27. Review status: criteria provided, single submitter. Criteria: ACMG Guidelines, 2015. Collection method: clinical testing. Allele origin: germline.

GeneDx
Classification: Likely benign. Last evaluated: 2020-03-06. Review status: criteria provided, single submitter. Criteria: GeneDx Variant Classification Process June 2021. Collection method: clinical testing. Allele origin: germline. Affected: yes.

NM_001372044.2(SHANK3):c.2400G>A (p.Thr800=)

Gene: SHANK3 (SH3 and multiple ankyrin repeat domains 3; plus strand). Cytogenetic location: 22q13.33.
Variant type: single nucleotide variant.
Coding change: c.2400G>A on transcript NM_001372044.2 (MANE Select); coding-DNA position 2400, G replaced by A.
Protein change: p.Thr800=; no amino-acid change (threonine 800 retained).
Molecular consequence: synonymous variant.
Genome position (GRCh38, 1-based): chr22:50,714,957, G>A. VCF-style: chr22-50714957-G-A. GRCh37 (hg19) VCF-style: chr22-51153385-G-A.
Other names: c.2175G>A (NM_033517.1).
Identifiers: ClinVar variation 1189516 (VCV001189516.7), dbSNP rs370837596, ClinGen allele CA10325836.